The following is an entry in ClinVar:

NM_014384.3(ACAD8):c.568-2A>T

Gene: ACAD8 (acyl-CoA dehydrogenase family member 8; plus strand). Cytogenetic location: 11q25.
Variant type: single nucleotide variant.
Coding change: c.568-2A>T on transcript NM_014384.3 (MANE Select); the canonical splice acceptor site of the intron before coding-DNA position 568, A replaced by T.
Molecular consequence: splice acceptor variant.
Genome position (GRCh38, 1-based): chr11:134,259,606, A>T. VCF-style: chr11-134259606-A-T. GRCh37 (hg19) VCF-style: chr11-134129500-A-T.
Identifiers: ClinVar variation 3709269 (VCV003709269.2).

ClinVar aggregate classification (germline): Likely pathogenic (1 of 4 stars; one submission).

Conditions:
Deficiency of isobutyryl-CoA dehydrogenase. Also called: ACYL-CoA DEHYDROGENASE FAMILY, MEMBER 8, DEFICIENCY OF; IBD DEFICIENCY; ACAD8 DEFICIENCY. Identifiers: Orphanet 79159, MedGen C1969809, MONDO:0012648, OMIM 611283.

gnomAD v4.1: 22 of 1,614,094 alleles (0.0014%); highest among the groups gnomAD compares: Middle Eastern, 0.017%; no homozygotes.

Submission:

Labcorp Genetics (formerly Invitae), Labcorp
Classification: Likely pathogenic for Deficiency of isobutyryl-CoA dehydrogenase. Last evaluated: 2025-04-26. Review status: criteria provided, single submitter. Criteria: Invitae Variant Classification Sherloc (09022015). Collection method: clinical testing. Allele origin: germline.
Comment: This sequence change affects an acceptor splice site in intron 5 of the ACAD8 gene. It is expected to disrupt RNA splicing. Variants that disrupt the donor or acceptor splice site typically lead to a loss of protein function (PMID: 16199547), and loss-of-function variants in ACAD8 are known to be pathogenic (PMID: 16857760). This variant is present in population databases (no rsID available, gnomAD 0.0009%). This variant has not been reported in the literature in individuals affected with ACAD8-related conditions. ClinVar contains an entry for this variant (Variation ID: 3709269). Algorithms developed to predict the effect of sequence changes on RNA splicing suggest that this variant may disrupt the consensus splice site. In summary, the currently available evidence indicates that the variant is pathogenic, but additional data are needed to prove that conclusively. Therefore, this variant has been classified as Likely Pathogenic.

Literature cited by the submitters: PubMed 16199547; PubMed 16857760.